The following is an entry in ClinVar:

NM_004818.3(DDX23):c.865_866del (p.Leu289fs)

Gene: DDX23 (DEAD-box helicase 23; minus strand). Cytogenetic location: 12q13.12.
Variant type: Deletion.
Coding change: c.865_866del on transcript NM_004818.3 (MANE Select); coding-DNA positions 865 to 866, 2 bases deleted (CT; older notation c.865_866delCT).
Protein change: p.Leu289fs; shifts the reading frame from leucine 289.
Molecular consequence: frameshift variant.
Genome position (GRCh38, 1-based): chr12:48,837,281-48,837,282, AG deleted on the plus strand (CT on the coding strand, the reverse complement: DDX23 is on the minus strand). VCF-style (leftmost placement, unchanged base first): chr12-48837280-CAG-C. GRCh37 (hg19) VCF-style: chr12-49231063-CAG-C.
Other names: short protein forms L289fs.
Identifiers: ClinVar variation 2581723 (VCV002581723.1), dbSNP rs2498755256, ClinGen allele CA2582342504.
Genomic context (GRCh38, chr12:48,837,280, plus strand): 5'-CATCAGCTCTCTAGGACTGCCTAGTGGAAAAGACCTAGAACTCAGGCCTGAAGCCACTCA[CAG>C]GGGGTTGTAGTCAATGGATGTGTCCTCAGATGCATCCCACTCAAAAACAAATTTCCGGTC-3'

ClinVar aggregate classification (germline): Uncertain significance (1 of 4 stars; one submission).

Submission:

GeneDx
Classification: Uncertain significance. Last evaluated: 2023-03-30. Review status: criteria provided, single submitter. Criteria: GeneDx Variant Classification Process June 2021. Collection method: clinical testing. Allele origin: germline. Affected: yes.
Comment: Not observed at significant frequency in large population cohorts (gnomAD); Frameshift variant predicted to result in protein truncation or nonsense mediated decay in a gene or region of a gene for which loss of function is not a well-established mechanism of disease; Has not been previously published as pathogenic or benign to our knowledge